The following is an entry in ClinVar:

ClinVar aggregate classification (germline): Uncertain significance (1 of 4 stars; one submission).

Submission:

Women's Health and Genetics/Laboratory Corporation of America, LabCorp
Classification: Uncertain significance. Last evaluated: 2025-12-18. Review status: criteria provided, single submitter. Criteria: LabCorp Variant Classification Summary - May 2015. Collection method: clinical testing. Allele origin: germline.
Comment: Variant summary: F2 c.119G>A (p.Arg40Gln) results in a conservative amino acid change in the encoded protein sequence. Algorithms developed to predict the effect of missense changes on protein structure and function are either unavailable or do not agree on the potential impact of this missense change. The variant allele was found at a frequency of 1.4e-05 in 219204 control chromosomes. c.119G>A has been observed in individuals affected with prothrombin deficiency (Wong_2006, Pasmant_2011). These data indicate that the variant may be associated with disease. To our knowledge, no experimental evidence demonstrating an impact on protein function has been reported. The following publications have been ascertained in the context of this evaluation (PMID: 21692854, 37647632, 17002658). No submitters have cited clinical-significance assessments for this variant to ClinVar. Based on the evidence outlined above, the variant was classified as VUS-possibly pathogenic.

Literature cited by the submitters: PubMed 37647632; PubMed 21692854; PubMed 17002658.

NM_000506.5(F2):c.119G>A (p.Arg40Gln)

Gene: F2 (coagulation factor II, thrombin; plus strand). Cytogenetic location: 11p11.2.
Variant type: single nucleotide variant.
Coding change: c.119G>A on transcript NM_000506.5 (MANE Select); coding-DNA position 119, G replaced by A.
Protein change: p.Arg40Gln; replaces arginine 40 with glutamine.
Molecular consequence: missense variant.
Genome position (GRCh38, 1-based): chr11:46,719,741, G>A. VCF-style: chr11-46719741-G-A. GRCh37 (hg19) VCF-style: chr11-46741291-G-A.
Other names: short protein forms R40Q.
Identifiers: ClinVar variation 4688231 (VCV004688231.1).
Genomic context (GRCh38, chr11:46,719,741, plus strand): 5'-GACCCCCCCACCGCCTTACAGTGTTCCTGGCTCCTCAGCAAGCACGGTCGCTGCTCCAGC[G>A]GGTCCGGCGAGCCAACACCTTCTTGGAGGAGGTGCGCAAGGGCAACCTGGAGCGAGAGTG-3'
Protein context (NP_000497.1, residues 30-50): APQQARSLLQ[Arg40Gln]VRRANTFLEE